The following is an entry in ClinVar:

ClinVar aggregate classification (germline): Uncertain significance (1 of 4 stars; one submission).

Submission:

Labcorp Genetics (formerly Invitae), Labcorp
Classification: Uncertain significance. Last evaluated: 2024-09-04. Review status: criteria provided, single submitter. Criteria: Invitae Variant Classification Sherloc (09022015). Collection method: clinical testing. Allele origin: germline.
Comment: This sequence change creates a premature translational stop signal (p.Val2171Glyfs*6) in the LAMA5 gene. It is expected to result in an absent or disrupted protein product. However, the current clinical and genetic evidence is not sufficient to establish whether loss-of-function variants in LAMA5 cause disease. This variant is present in population databases (rs763461516, gnomAD 0.005%). This variant has not been reported in the literature in individuals affected with LAMA5-related conditions. In summary, the available evidence is currently insufficient to determine the role of this variant in disease. Therefore, it has been classified as a Variant of Uncertain Significance.

NM_005560.6(LAMA5):c.6512_6513del (p.Val2171fs)

Gene: LAMA5 (laminin subunit alpha 5; minus strand). Cytogenetic location: 20q13.33.
Variant type: Microsatellite.
Coding change: c.6512_6513del on transcript NM_005560.6 (MANE Select); coding-DNA positions 6512 to 6513, 2 bases deleted (TG; older notation c.6512_6513delTG).
Protein change: p.Val2171fs; shifts the reading frame from valine 2171.
Molecular consequence: frameshift variant.
Genome position (GRCh38, 1-based): chr20:62,320,874-62,320,875, CA deleted on the plus strand (TG on the coding strand, the reverse complement: LAMA5 is on the minus strand); deleting any 2 consecutive bases within chr20:62,320,874-62,320,879 gives the same sequence; the c. name uses the placement nearest the transcript's 3' end. VCF-style (leftmost placement, unchanged base first): chr20-62320873-CCA-C. GRCh37 (hg19) VCF-style: chr20-60895929-CCA-C.
Other names: short protein forms V2171fs.
Identifiers: ClinVar variation 3698417 (VCV003698417.2).